The following is an entry in ClinVar:

ClinVar aggregate classification (germline): Pathogenic (1 of 4 stars; one submission).

Conditions:
Neurofibromatosis, type 2 (SWNV). Also called: BILATERAL ACOUSTIC NEUROFIBROMATOSIS; NF2-Related Schwannomatosis; SCHWANNOMATOSIS, VESTIBULAR. Identifiers: Orphanet 637, MedGen C0027832, MONDO:0007039, OMIM 101000. Disease mechanism: loss of function.

Submission:

Labcorp Genetics (formerly Invitae), Labcorp
Classification: Pathogenic for Neurofibromatosis, type 2. Last evaluated: 2025-12-30. Review status: criteria provided, single submitter. Criteria: Invitae Variant Classification Sherloc (09022015). Collection method: clinical testing. Allele origin: germline.
Comment: This sequence change creates a premature translational stop signal (p.Lys15Argfs*10) in the NF2 gene. It is expected to result in an absent or disrupted protein product. Loss-of-function variants in NF2 are known to be pathogenic (PMID: 9643284, 16983642). This variant is not present in population databases (gnomAD no frequency). This variant has not been reported in the literature in individuals affected with NF2-related conditions. For these reasons, this variant has been classified as Pathogenic.

Literature cited by the submitters: PubMed 9643284; PubMed 16983642.

NM_000268.4(NF2):c.44del (p.Lys15fs)

Gene: NF2 (NF2, moesin-ezrin-radixin like (MERLIN) tumor suppressor; plus strand). Cytogenetic location: 22q12.2.
Variant type: Deletion.
Coding change: c.44del on transcript NM_000268.4 (MANE Select); coding-DNA position 44, one base deleted (A; older notation c.44delA).
Protein change: p.Lys15fs; shifts the reading frame from lysine 15.
Molecular consequence: frameshift variant. On other transcripts: 5 prime UTR variant (4), non-coding transcript variant (1).
Genome position (GRCh38, 1-based): chr22:29,604,042, A deleted; the last of 2 consecutive A bases (chr22:29,604,041-29,604,042); deleting either gives the same sequence. VCF-style (leftmost placement, unchanged base first): chr22-29604040-CA-C. GRCh37 (hg19) VCF-style: chr22-30000029-CA-C.
Other names: c.-187del (NM_001407053.1, NM_001407056.1); c.44del, p.Lys15fs (NM_001407054.1, NM_001407055.1, NM_001407057.1 and 15 more transcripts); c.-597del (NM_001407065.1); c.-213del (NM_001407067.1); short protein forms K15fs.
Identifiers: ClinVar variation 4733728 (VCV004733728.1).